The following is an entry in ClinVar:

ClinVar aggregate classification (germline): Uncertain significance (1 of 4 stars; one submission).

Conditions:
Cohen syndrome (COH1). Also called: Cutis verticis gyrata, retinitis pigmentosa, and sensorineural deafness; PEPPER SYNDROME. Identifiers: Orphanet 193, MedGen C0265223, MONDO:0008999, OMIM 216550.

Submission:

Labcorp Genetics (formerly Invitae), Labcorp
Classification: Uncertain significance for Cohen syndrome. Last evaluated: 2022-06-01. Review status: criteria provided, single submitter. Criteria: Invitae Variant Classification Sherloc (09022015). Collection method: clinical testing. Allele origin: germline.
Comment: This variant has not been reported in the literature in individuals affected with VPS13B-related conditions. In summary, the available evidence is currently insufficient to determine the role of this variant in disease. Therefore, it has been classified as a Variant of Uncertain Significance. Algorithms developed to predict the effect of missense changes on protein structure and function are either unavailable or do not agree on the potential impact of this missense change (SIFT: "Not Available"; PolyPhen-2: "Probably Damaging"; Align-GVGD: "Not Available"). This variant is not present in population databases (gnomAD no frequency). This sequence change replaces lysine, which is basic and polar, with methionine, which is neutral and non-polar, at codon 1648 of the VPS13B protein (p.Lys1648Met).

NM_152564.5(VPS13B):c.4868A>T (p.Lys1623Met)

Gene: VPS13B (vacuolar protein sorting 13 homolog B; plus strand). Cytogenetic location: 8q22.2.
Variant type: single nucleotide variant.
Coding change: c.4868A>T on transcript NM_152564.5 (MANE Select); coding-DNA position 4868, A replaced by T.
Protein change: p.Lys1623Met; replaces lysine 1623 with methionine.
Molecular consequence: missense variant.
Genome position (GRCh38, 1-based): chr8:99,556,572, A>T. VCF-style: chr8-99556572-A-T. GRCh37 (hg19) VCF-style: chr8-100568800-A-T.
Other names: c.4943A>T, p.Lys1648Met (NM_017890.5); short protein forms K1623M, K1648M.
Identifiers: ClinVar variation 2001778 (VCV002001778.4), dbSNP rs1824576911, ClinGen allele CA371869401.